The following is an entry in ClinVar:

ClinVar aggregate classification (germline): Uncertain significance (1 of 4 stars; one submission).

Conditions:
Hereditary cancer-predisposing syndrome. Also called: Neoplastic Syndromes, Hereditary; Tumor predisposition; Hereditary Cancer Syndrome; Hereditary neoplastic syndrome. Identifiers: Orphanet 140162, MedGen C0027672, MeSH D009386, MONDO:0015356.

Submission:

Ambry Genetics
Classification: Uncertain significance for Hereditary cancer-predisposing syndrome. Last evaluated: 2025-10-09. Review status: criteria provided, single submitter. Criteria: Ambry Variant Classification Scheme 2023. Collection method: clinical testing. Allele origin: germline.
Comment: The p.A63V variant (also known as c.188C>T), located in coding exon 2 of the CTNNA1 gene, results from a C to T substitution at nucleotide position 188. The alanine at codon 63 is replaced by valine, an amino acid with similar properties. This amino acid position is conserved. In addition, the in silico prediction for this alteration is inconclusive. Based on the available evidence, the clinical significance of this variant remains unclear.

NM_001903.5(CTNNA1):c.188C>T (p.Ala63Val)

Gene: CTNNA1 (catenin alpha 1; plus strand). Cytogenetic location: 5q31.2.
Variant type: single nucleotide variant.
Coding change: c.188C>T on transcript NM_001903.5 (MANE Select); coding-DNA position 188, C replaced by T.
Protein change: p.Ala63Val; replaces alanine 63 with valine.
Molecular consequence: missense variant. On other transcripts: 5 prime UTR variant (1), intron variant (1).
Genome position (GRCh38, 1-based): chr5:138,783,259, C>T. VCF-style: chr5-138783259-C-T. GRCh37 (hg19) VCF-style: chr5-138118948-C-T.
Other names: c.188C>T, p.Ala63Val (NM_001290307.3, NM_001323982.2, NM_001323983.1 and 3 more transcripts); c.-19C>T (NM_001290310.3); c.-9+1230C>T (NM_001290309.3); short protein forms A63V.
Identifiers: ClinVar variation 4635429 (VCV004635429.1).
Genomic context (GRCh38, chr5:138,783,259, plus strand): 5'-ATAGTAAAGGGCCCTCTAATAAGAAGAGAGGTCGTTCTAAGAAGGCCCATGTTTTGGCTG[C>T]ATCTGTTGAACAAGCAACTGAGAATTTCTTGGAGAAGGGGGATAAAATTGCGAAGGAGAG-3'
Protein context (NP_001894.2, residues 53-73): GRSKKAHVLA[Ala63Val]SVEQATENFL